The following is an entry in ClinVar:

NM_000138.5(FBN1):c.4531T>G (p.Cys1511Gly)

Gene: FBN1 (fibrillin 1; minus strand). Cytogenetic location: 15q21.1.
Variant type: single nucleotide variant.
Coding change: c.4531T>G on transcript NM_000138.5 (MANE Select); coding-DNA position 4531, T replaced by G.
Protein change: p.Cys1511Gly; replaces cysteine 1511 with glycine.
Molecular consequence: missense variant.
Genome position (GRCh38, 1-based): chr15:48,468,463, A>C on the plus strand (T>G on the coding strand, the complement: FBN1 is on the minus strand). VCF-style: chr15-48468463-A-C. GRCh37 (hg19) VCF-style: chr15-48760660-A-C.
Other names: short protein forms C1511G.
Identifiers: ClinVar variation 549240 (VCV000549240.3), dbSNP rs397515811, ClinGen allele CA392353515.

ClinVar aggregate classification (germline): Pathogenic. Review status: criteria provided, single submitter (1 of 4 stars). 2 submissions from 2 submitters: Pathogenic (1). 1 of the submissions does not count toward it. Last evaluated 2024-11-30.

Conditions:
Familial thoracic aortic aneurysm and aortic dissection (TAAD). Also called: Thoracic aortic aneurysms and dissections. Identifiers: Orphanet 91387, MedGen C4707243, MONDO:0019625.
Marfan syndrome (MFS). Also called: Marfan syndrome type 1; Marfan syndrome, classic; Marfan's syndrome; FBN1-Related Marfan Syndrome; MARFAN SYNDROME, TYPE I. Identifiers: Orphanet 284963, Orphanet 558, MedGen C0024796, MONDO:0007947, OMIM 154700.

Submissions (2):

Labcorp Genetics (formerly Invitae), Labcorp
Classification: Pathogenic for Marfan syndrome; Familial thoracic aortic aneurysm and aortic dissection. Last evaluated: 2024-11-30. Review status: criteria provided, single submitter. Criteria: Invitae Variant Classification Sherloc (09022015). Collection method: clinical testing. Allele origin: germline.
Comment: This sequence change replaces cysteine, which is neutral and slightly polar, with glycine, which is neutral and non-polar, at codon 1511 of the FBN1 protein (p.Cys1511Gly). This variant is not present in population databases (gnomAD no frequency). This missense change has been observed in individual(s) with clinical features of FBN1-related conditions (internal data). ClinVar contains an entry for this variant (Variation ID: 549240). Invitae Evidence Modeling of protein sequence and biophysical properties (such as structural, functional, and spatial information, amino acid conservation, physicochemical variation, residue mobility, and thermodynamic stability) indicates that this missense variant is expected to disrupt FBN1 protein function with a positive predictive value of 95%. This variant affects a cysteine residue in the EGF-like, TGFBP or hybrid motif domains of FBN1. Cysteine residues are believed to be involved in intramolecular disulfide bridges and have been shown to be important for FBN1 protein structure (PMID: 16905551, 19349279). In addition, missense substitutions affecting cysteine residues within these domains are significantly overrepresented among patients with Marfan syndrome (PMID: 16571647, 17701892). This variant disrupts the p.Cys1511 amino acid residue in FBN1. Other variant(s) that disrupt this residue have been observed in individuals with FBN1-related conditions (PMID: 27611364; internal data), which suggests that this may be a clinically significant amino acid residue. For these reasons, this variant has been classified as Pathogenic.

Center for Medical Genetics Ghent, University of Ghent
Classification: Likely pathogenic for Marfan syndrome. Last evaluated: 2017-11-07. Review status: no assertion criteria provided. Collection method: clinical testing. Allele origin: germline. Affected: yes. Not counted in ClinVar's aggregate classification.

Literature cited by the submitters: PubMed 16905551 (cited by Labcorp Genetics (formerly Invitae), Labcorp); PubMed 19349279 (cited by Labcorp Genetics (formerly Invitae), Labcorp); PubMed 16571647 (cited by Labcorp Genetics (formerly Invitae), Labcorp); PubMed 17701892 (cited by Labcorp Genetics (formerly Invitae), Labcorp); PubMed 27611364 (cited by Labcorp Genetics (formerly Invitae), Labcorp).